The following is an entry in ClinVar:

NM_001267550.2(TTN):c.84650C>T (p.Ser28217Phe)

Genes: TTN (titin; minus strand), TTN-AS1 (TTN antisense RNA 1; plus strand). Cytogenetic location: 2q31.2.
Variant type: single nucleotide variant.
Coding change: c.84650C>T on transcript NM_001267550.2 (MANE Select); coding-DNA position 84650, C replaced by T.
Protein change: p.Ser28217Phe; replaces serine 28217 with phenylalanine.
Molecular consequence: missense variant.
Genome position (GRCh38, 1-based): chr2:178,561,482, G>A on the plus strand (C>T on the coding strand, the complement: TTN is on the minus strand). VCF-style: chr2-178561482-G-A. GRCh37 (hg19) VCF-style: chr2-179426209-G-A.
Other names: c.79727C>T, p.Ser26576Phe (NM_001256850.1); c.57455C>T, p.Ser19152Phe (NM_003319.4); c.76946C>T, p.Ser25649Phe (NM_133378.4); c.57830C>T, p.Ser19277Phe (NM_133432.3); c.58031C>T, p.Ser19344Phe (NM_133437.4); short protein forms S26576F, S28217F, S19344F, S19152F, S19277F, S25649F.
Identifiers: ClinVar variation 515309 (VCV000515309.2), dbSNP rs888839405, ClinGen allele CA60985064.

ClinVar aggregate classification (germline): Conflicting classifications of pathogenicity. Review status: criteria provided, conflicting classifications (1 of 4 stars). 2 submissions from 2 submitters: Uncertain significance (1); Likely benign (1). Last evaluated 2024-06-10.

Conditions:
Autosomal recessive limb-girdle muscular dystrophy type 2J (LGMDR10). Also called: MUSCULAR DYSTROPHY, LIMB-GIRDLE, AUTOSOMAL RECESSIVE 10; Limb-girdle muscular dystrophy, type 2J. Identifiers: Orphanet 140922, MedGen C1837342, MONDO:0012127, OMIM 608807.
Hypertrophic cardiomyopathy 9. Also called: Familial hypertrophic cardiomyopathy 9. Identifiers: MedGen C1861065, MONDO:0013412, OMIM 613765.
Tibial muscular dystrophy (TMD). Also called: Udd Distal Myopathy – Tibial Muscular Dystrophy; Tibial muscular dystrophy, tardive; UDD MYOPATHY. Identifiers: Orphanet 609, MedGen C1838244, MONDO:0010870, OMIM 600334.
Dilated cardiomyopathy 1G (CMD1G). Identifiers: Orphanet 154, MedGen C1858763, MONDO:0011400, OMIM 604145.
Early-onset myopathy with fatal cardiomyopathy (CMYO5). Also called: Salih Myopathy; CONGENITAL MYOPATHY 5 WITH CARDIOMYOPATHY. Identifiers: Orphanet 289377, MedGen C2673677, MONDO:0012714, OMIM 611705. Disease mechanism: loss of function.
Myopathy, myofibrillar, 9, with early respiratory failure (MFM9). Also called: MYOPATHY, PROXIMAL, WITH EARLY RESPIRATORY MUSCLE INVOLVEMENT; Myopathy, distal, with early respiratory failure, autosomal dominant; Hereditary myopathy with early respiratory failure; EDSTROM MYOPATHY. Identifiers: Orphanet 178464, Orphanet 34521, MedGen C1863599, MONDO:0011362, OMIM 603689.

Allele frequency attached by ClinVar (database versions not stated): gnomAD exomes below 0.00001; gnomAD 0.00001; TOPMed 0.00002.
gnomAD v4.1: 2 of 1,613,594 alleles (0.00012%); highest among the groups gnomAD compares: African/African-American, 0.0027%; no homozygotes.

Submissions (2):

Fulgent Genetics
Classification: Uncertain significance for Tibial muscular dystrophy; Myopathy, myofibrillar, 9, with early respiratory failure; Dilated cardiomyopathy 1G; Autosomal recessive limb-girdle muscular dystrophy type 2J; Early-onset myopathy with fatal cardiomyopathy; Hypertrophic cardiomyopathy 9. Last evaluated: 2024-06-10. Review status: criteria provided, single submitter. Criteria: ACMG Guidelines, 2015. Collection method: clinical testing. Allele origin: germline.

GeneDx
Classification: Likely benign. Last evaluated: 2018-02-01. Review status: criteria provided, single submitter. Criteria: GeneDx Variant Classification (06012015). Collection method: clinical testing. Allele origin: germline. Affected: yes.
Comment: This variant is considered likely benign or benign based on one or more of the following criteria: it is a conservative change, it occurs at a poorly conserved position in the protein, it is predicted to be benign by multiple in silico algorithms, and/or has population frequency not consistent with disease.